The following is an entry in ClinVar:

NM_003803.4(MYOM1):c.1922del (p.Pro641fs)

Gene: MYOM1 (myomesin 1; minus strand). Cytogenetic location: 18p11.31.
Variant type: Deletion.
Coding change: c.1922del on transcript NM_003803.4 (MANE Select); coding-DNA position 1922, one base deleted (C; older notation c.1922delC).
Protein change: p.Pro641fs; shifts the reading frame from proline 641.
Molecular consequence: frameshift variant.
Genome position (GRCh38, 1-based): chr18:3,142,042, G deleted on the plus strand (C on the coding strand, the reverse complement: MYOM1 is on the minus strand); the first of 6 consecutive G bases (chr18:3,142,042-3,142,047); deleting any one gives the same sequence. VCF-style (leftmost placement, unchanged base first): chr18-3142041-CG-C. GRCh37 (hg19) VCF-style: chr18-3142039-CG-C.
Other names: c.1922del, p.Pro641fs (NM_019856.2); short protein forms P641fs.
Identifiers: ClinVar variation 2742634 (VCV002742634.3), dbSNP rs1000805573, ClinGen allele CA295524055.

ClinVar aggregate classification (germline): Uncertain significance (1 of 4 stars; one submission).

Conditions:
Hypertrophic cardiomyopathy. Also called: HYPERTROPHIC MYOCARDIOPATHY. Identifiers: Orphanet 217569, MedGen C0007194, MeSH D002312, MONDO:0005045, HP:0001639.

Submission:

Labcorp Genetics (formerly Invitae), Labcorp
Classification: Uncertain significance for Hypertrophic cardiomyopathy. Last evaluated: 2023-12-09. Review status: criteria provided, single submitter. Criteria: Invitae Variant Classification Sherloc (09022015). Collection method: clinical testing. Allele origin: germline.
Comment: This sequence change creates a premature translational stop signal (p.Pro641Argfs*46) in the MYOM1 gene. It is expected to result in an absent or disrupted protein product. However, the current clinical and genetic evidence is not sufficient to establish whether loss-of-function variants in MYOM1 cause disease. This variant is not present in population databases (gnomAD no frequency). This variant has not been reported in the literature in individuals affected with MYOM1-related conditions. Experimental studies and prediction algorithms are not available or were not evaluated, and the functional significance of this variant is currently unknown. In summary, the available evidence is currently insufficient to determine the role of this variant in disease. Therefore, it has been classified as a Variant of Uncertain Significance.